The following is an entry in ClinVar:

NM_000257.4(MYH7):c.121G>A (p.Asp41Asn)

Gene: MYH7 (myosin heavy chain 7; minus strand). Cytogenetic location: 14q11.2.
Variant type: single nucleotide variant.
Coding change: c.121G>A on transcript NM_000257.4 (MANE Select); coding-DNA position 121, G replaced by A.
Protein change: p.Asp41Asn; replaces aspartic acid 41 with asparagine.
Molecular consequence: missense variant.
Genome position (GRCh38, 1-based): chr14:23,433,612, C>T on the plus strand (G>A on the coding strand, the complement: MYH7 is on the minus strand). VCF-style: chr14-23433612-C-T. GRCh37 (hg19) VCF-style: chr14-23902821-C-T.
Other names: short protein forms D41N.
Identifiers: ClinVar variation 835596 (VCV000835596.15), dbSNP rs1157169154, ClinGen allele CA389053839.

ClinVar aggregate classification (germline): Uncertain significance. Review status: criteria provided, multiple submitters, no conflicts (2 of 4 stars). 5 submissions from 5 submitters: Uncertain significance (3). 2 of the submissions do not count toward it. Last evaluated 2024-10-15.

Conditions:
Cardiomyopathy (CMYO). Also called: Cardiomyopathies. Identifiers: Orphanet 167848, MedGen C0878544, MONDO:0004994, HP:0001638. Inheritance: Various modes of inheritance.
Hypertrophic cardiomyopathy. Also called: HYPERTROPHIC MYOCARDIOPATHY. Identifiers: Orphanet 217569, MedGen C0007194, MeSH D002312, MONDO:0005045, HP:0001639.

Allele frequency attached by ClinVar (database versions not stated): gnomAD exomes below 0.00001.

Submissions (5):

Blueprint Genetics
Classification: Uncertain significance. Last evaluated: 2024-10-15. Review status: criteria provided, single submitter. Criteria: ACMG Guidelines, 2015. Collection method: clinical testing. Allele origin: germline.

All of Us Research Program, National Institutes of Health
Classification: Uncertain significance for Cardiomyopathy. Last evaluated: 2024-01-03. Review status: criteria provided, single submitter. Criteria: ACMG Guidelines, 2015. Collection method: clinical testing. Allele origin: germline. Inheritance: Autosomal dominant inheritance. Observed: 1 variant allele, 1 heterozygote.
Comment: This missense variant replaces aspartic acid with asparagine at codon 41 of the MYH7 protein. Computational prediction is inconclusive regarding the impact of this variant on protein structure and function (internally defined REVEL score threshold 0.5 < inconclusive < 0.7, PMID: 27666373). To our knowledge, functional studies have not been reported for this variant. This variant has been reported in 2 individuals from one family affected with dilated cardiomyopathy (PMID: 35470680). It has also been reported in an individual affected with unspecified cardiomyopathy (PMID: 35470680). This variant has been identified in 1/251456 chromosomes in the general population by the Genome Aggregation Database (gnomAD). The available evidence is insufficient to determine the role of this variant in disease conclusively. Therefore, this variant is classified as a Variant of Uncertain Significance.

This study involves interpretation of variants in research participants for the purpose of population health screening. Participant phenotype was not available at the time of variant classification. Additional details can be found in publication PMID: 35346344, PMCID: PMC8962531

Labcorp Genetics (formerly Invitae), Labcorp
Classification: Uncertain significance for Hypertrophic cardiomyopathy. Last evaluated: 2023-09-22. Review status: criteria provided, single submitter. Criteria: Invitae Variant Classification Sherloc (09022015). Collection method: clinical testing. Allele origin: germline.
Comment: In summary, the available evidence is currently insufficient to determine the role of this variant in disease. Therefore, it has been classified as a Variant of Uncertain Significance. Advanced modeling of protein sequence and biophysical properties (such as structural, functional, and spatial information, amino acid conservation, physicochemical variation, residue mobility, and thermodynamic stability) performed at Invitae indicates that this missense variant is expected to disrupt MYH7 protein function. ClinVar contains an entry for this variant (Variation ID: 835596). This missense change has been observed in individual(s) with hypertrophic cardiomyopathy (PMID: 23785128). This variant is present in population databases (no rsID available, gnomAD 0.0009%). This sequence change replaces aspartic acid, which is acidic and polar, with asparagine, which is neutral and polar, at codon 41 of the MYH7 protein (p.Asp41Asn).

Clinical Genetics, Academic Medical Center
Classification: Uncertain significance. Review status: no assertion criteria provided. Collection method: clinical testing. Allele origin: germline. Affected: yes. Study: VKGL Data-share Consensus. Not counted in ClinVar's aggregate classification.

Joint Genome Diagnostic Labs from Nijmegen and Maastricht, Radboudumc and MUMC+
Classification: Uncertain significance. Review status: no assertion criteria provided. Collection method: clinical testing. Allele origin: germline. Affected: yes. Study: VKGL Data-share Consensus. Not counted in ClinVar's aggregate classification.

Literature cited by the submitters: PubMed 35470680 (cited by All of Us Research Program, National Institutes of Health); PubMed 23785128 (cited by Labcorp Genetics (formerly Invitae), Labcorp).